The following is an entry in ClinVar:

NM_000531.6(OTC):c.580A>G (p.Ile194Val)

Gene: OTC (ornithine transcarbamylase; plus strand). Cytogenetic location: Xp11.4.
Variant type: single nucleotide variant.
Coding change: c.580A>G on transcript NM_000531.6 (MANE Select); coding-DNA position 580, A replaced by G.
Protein change: p.Ile194Val; replaces isoleucine 194 with valine.
Molecular consequence: missense variant.
Genome position (GRCh38, 1-based): chrX:38,403,657, A>G. VCF-style: chrX-38403657-A-G. GRCh37 (hg19) VCF-style: chrX-38262910-A-G.
Other names: c.580A>G, p.Ile194Val (NM_001407092.1); c.580A>G (NM_000531.5); short protein forms I194V.
Identifiers: ClinVar variation 3071884 (VCV003071884.3), dbSNP rs2519975343, ClinGen allele CA412725384.
Genomic context (GRCh38, chrX:38,403,657, plus strand): 5'-CCTTCATCCCGTGCCTTTTAGGAACACTATAGCTCTCTGAAAGGTCTTACCCTCAGCTGG[A>G]TCGGGGATGGGAACAATATCCTGCACTCCATCATGATGAGCGCAGCGAAATTCGGAATGC-3'
Protein context (NP_000522.3, residues 184-204): SSLKGLTLSW[Ile194Val]GDGNNILHSI

ClinVar aggregate classification (germline): Conflicting classifications of pathogenicity. Review status: criteria provided, conflicting classifications (1 of 4 stars). 3 submissions from 3 submitters: Likely pathogenic (1); Uncertain significance (2). Last evaluated 2026-07-30.

Conditions:
Ornithine carbamoyltransferase deficiency (OTCD). Also called: ORNITHINE TRANSCARBAMYLASE DEFICIENCY; ORNITHINE TRANSCARBAMYLASE DEFICIENCY, HYPERAMMONEMIA DUE TO; OTC DEFICIENCY; Ornithine Carbamoyltransferase Deficiency Disease. Identifiers: Orphanet 664, MedGen C0268542, MONDO:0010703, OMIM 311250.

Allele frequency attached by ClinVar (database versions not stated): gnomAD exomes below 0.00001.
gnomAD v4.1: 4 of 1,208,228 alleles (0.00033%); highest among the groups gnomAD compares: Non-Finnish European, 0.00045%; no homozygotes.

Submissions (3):

Myriad Genetics, Inc.
Classification: Uncertain significance for Ornithine carbamoyltransferase deficiency. Last evaluated: 2026-07-30. Review status: criteria provided, single submitter. Criteria: Myriad Autosomal Dominant, Autosomal Recessive and X-Linked Classification Criteria (2023). Collection method: clinical testing. Allele origin: unknown.
Comment: NM_000531.5(OTC):c.580A>G(I194V) is a missense variant classified as a variant of uncertain significance in the context of ornithine transcarbamylase deficiency. I194V has not been observed in cases with relevant disease. Relevant functional assessments of this variant are not available in the literature. I194V has not been observed in referenced population frequency databases. In summary, there is insufficient evidence to classify NM_000531.5(OTC):c.580A>G(I194V) as pathogenic or benign. Please note: this variant was assessed in the context of healthy population screening.

GeneDx
Classification: Likely pathogenic. Last evaluated: 2025-04-29. Review status: criteria provided, single submitter. Criteria: GeneDx Variant Classification Process June 2021. Collection method: clinical testing. Allele origin: germline. Affected: yes.
Comment: Not observed at significant frequency in large population cohorts (gnomAD); In silico analysis indicates that this missense variant does not alter protein structure/function; Has not been previously published as pathogenic or benign to our knowledge; This variant is associated with the following publications: (PMID: 37146589, 26059767)

All of Us Research Program, National Institutes of Health
Classification: Uncertain significance for Ornithine carbamoyltransferase deficiency. Last evaluated: 2023-06-26. Review status: criteria provided, single submitter. Criteria: ACMG Guidelines, 2015. Collection method: clinical testing. Allele origin: germline. Inheritance: X-linked inheritance. Observed: 1 variant allele, 1 heterozygote.
Comment: This missense variant replaces isoleucine with valine at codon 194 of the OTC protein. Computational prediction is inconclusive regarding the impact of this variant on protein structure and function (internally defined REVEL score threshold 0.5 < inconclusive < 0.7, PMID: 27666373). To our knowledge, functional studies have not been reported for this variant. This variant has not been reported in individuals affected with ornithine carbamoyltransferase deficiency in the literature. This variant has not been identified in the general population by the Genome Aggregation Database (gnomAD). The available evidence is insufficient to determine the role of this variant in disease conclusively. Therefore, this variant is classified as a Variant of Uncertain Significance.

This study involves interpretation of variants in research participants for the purpose of population health screening. Participant phenotype was not available at the time of variant classification. Additional details can be found in publication PMID: 35346344, PMCID: PMC8962531